The following is an entry in ClinVar:

ClinVar aggregate classification (germline): Uncertain significance (1 of 4 stars; one submission).

Conditions:
Spastic paraplegia. Identifiers: MedGen C0037772, HP:0001258.

Allele frequency attached by ClinVar (database versions not stated): gnomAD exomes below 0.00001; TOPMed below 0.00001; gnomAD 0.00001.
gnomAD v4.1: 7 of 1,613,990 alleles (0.00043%); highest among the groups gnomAD compares: Non-Finnish European, 0.00059%; no homozygotes.

Submission:

Labcorp Genetics (formerly Invitae), Labcorp
Classification: Uncertain significance for Spastic paraplegia. Last evaluated: 2022-04-30. Review status: criteria provided, single submitter. Criteria: Invitae Variant Classification Sherloc (09022015). Collection method: clinical testing. Allele origin: germline.
Comment: This sequence change replaces alanine, which is neutral and non-polar, with threonine, which is neutral and polar, at codon 436 of the SACS protein (p.Ala436Thr). This variant is present in population databases (no rsID available, gnomAD 0.0009%). This variant has not been reported in the literature in individuals affected with SACS-related conditions. Advanced modeling of protein sequence and biophysical properties (such as structural, functional, and spatial information, amino acid conservation, physicochemical variation, residue mobility, and thermodynamic stability) performed at Invitae indicates that this missense variant is not expected to disrupt SACS protein function. In summary, the available evidence is currently insufficient to determine the role of this variant in disease. Therefore, it has been classified as a Variant of Uncertain Significance.

NM_014363.6(SACS):c.1306G>A (p.Ala436Thr)

Gene: SACS (sacsin molecular chaperone; minus strand). Cytogenetic location: 13q12.12.
Variant type: single nucleotide variant.
Coding change: c.1306G>A on transcript NM_014363.6 (MANE Select); coding-DNA position 1306, G replaced by A.
Protein change: p.Ala436Thr; replaces alanine 436 with threonine.
Molecular consequence: missense variant.
Genome position (GRCh38, 1-based): chr13:23,355,306, C>T on the plus strand (G>A on the coding strand, the complement: SACS is on the minus strand). VCF-style: chr13-23355306-C-T. GRCh37 (hg19) VCF-style: chr13-23929445-C-T.
Other names: c.865G>A, p.Ala289Thr (NM_001278055.2); short protein forms A289T, A436T.
Identifiers: ClinVar variation 1430810 (VCV001430810.3), dbSNP rs1403003359, ClinGen allele CA387549127.
Genomic context (GRCh38, chr13:23,355,306, plus strand): 5'-TTTCCTCACCAGGTGGTAAAGGAAGGAAACAAAATGCTTTTCCTGAGAAATCAGACGTTG[C>T]TCCTTTTGCTTCATCATCTCTGCTTGATAAAGGCATGGCTATTCCAATGATTGGGACAAA-3'
Protein context (NP_055178.3, residues 426-446): LSSRDDEAKG[Ala436Thr]TSDFSGKAFC